The following is an entry in ClinVar:

ClinVar aggregate classification (germline): Uncertain significance (1 of 4 stars; one submission).

Allele frequency attached by ClinVar (database versions not stated): TOPMed below 0.00001; gnomAD 0.00001.

Submission:

Labcorp Genetics (formerly Invitae), Labcorp
Classification: Uncertain significance. Last evaluated: 2019-12-13. Review status: criteria provided, single submitter. Criteria: Invitae Variant Classification Sherloc (09022015). Collection method: clinical testing. Allele origin: germline.
Comment: In summary, the available evidence is currently insufficient to determine the role of this variant in disease. Therefore, it has been classified as a Variant of Uncertain Significance. Algorithms developed to predict the effect of sequence changes on RNA splicing suggest that this variant may create or strengthen a splice site, but this prediction has not been confirmed by published transcriptional studies. Algorithms developed to predict the effect of missense changes on protein structure and function are either unavailable or do not agree on the potential impact of this missense change (SIFT: "Tolerated"; PolyPhen-2: "Probably Damaging"; Align-GVGD: "Class C0"). This variant has not been reported in the literature in individuals with CEP78-related conditions. This variant is not present in population databases (ExAC no frequency). This sequence change replaces arginine with serine at codon 51 of the CEP78 protein (p.Arg51Ser). The arginine residue is weakly conserved and there is a moderate physicochemical difference between arginine and serine.

NM_001330691.3(CEP78):c.151C>A (p.Arg51Ser)

Gene: CEP78 (centrosomal protein 78; plus strand). Cytogenetic location: 9q21.2.
Variant type: single nucleotide variant.
Coding change: c.151C>A on transcript NM_001330691.3 (MANE Select); coding-DNA position 151, C replaced by A.
Protein change: p.Arg51Ser; replaces arginine 51 with serine.
Molecular consequence: missense variant.
Genome position (GRCh38, 1-based): chr9:78,236,501, C>A. VCF-style: chr9-78236501-C-A. GRCh37 (hg19) VCF-style: chr9-80851417-C-A.
Other names: c.151C>A, p.Arg51Ser (NM_001098802.3, NM_001330693.3, NM_001330694.2 and 4 more transcripts); short protein forms R51S.
Identifiers: ClinVar variation 855126 (VCV000855126.9), dbSNP rs1402786672, ClinGen allele CA373999360.